The following is an entry in ClinVar:

ClinVar aggregate classification (germline): Likely pathogenic (1 of 4 stars; one submission).

Conditions:
Autosomal dominant distal renal tubular acidosis (DRTA1). Also called: RENAL TUBULAR ACIDOSIS, DISTAL, 1; Renal Tubular Acidosis, Type I; RTA, CLASSIC TYPE; RTA, DISTAL TYPE, AUTOSOMAL DOMINANT; RTA, GRADIENT TYPE. Identifiers: Orphanet 93608, MedGen CN280572, MONDO:0008368, OMIM 179800.

Submission:

Institute of Human Genetics, University of Leipzig Medical Center
Classification: Likely pathogenic for Autosomal dominant distal renal tubular acidosis. Last evaluated: 2026-08-17. Review status: criteria provided, single submitter. Criteria: ACMG Guidelines, 2015. Collection method: clinical testing. Allele origin: unknown. Inheritance: Autosomal dominant inheritance. Affected: yes.
Comment: Criteria applied: PVS1_STR,PM2

NM_000342.4(SLC4A1):c.2712C>A (p.Tyr904Ter)

Gene: SLC4A1 (solute carrier family 4 member 1 (Diego blood group); minus strand). Cytogenetic location: 17q21.31.
Variant type: single nucleotide variant.
Coding change: c.2712C>A on transcript NM_000342.4 (MANE Select); coding-DNA position 2712, C replaced by A.
Protein change: p.Tyr904Ter; replaces tyrosine 904 with a stop codon.
Molecular consequence: nonsense.
Genome position (GRCh38, 1-based): chr17:44,250,482, G>T on the plus strand (C>A on the coding strand, the complement: SLC4A1 is on the minus strand). VCF-style: chr17-44250482-G-T. GRCh37 (hg19) VCF-style: chr17-42327850-G-T.
Other names: short protein forms Y904*.
Identifiers: ClinVar variation 4890750 (VCV004890750.1).
Genomic context (GRCh38, chr17:44,250,482, plus strand): 5'-AATGGTGGGGGAGGGTCTAGGGCCTGGGCCCGCCCCTCACACAGGCATGGCCACTTCGTC[G>T]TATTCATCCCGACCTTCCTCCTCATCAAAGGTTGCCTTGGCATCATCAGCATCCAGCTGG-3'